The following is an entry in ClinVar:

ClinVar aggregate classification (germline): Uncertain significance. Review status: criteria provided, multiple submitters, no conflicts (2 of 4 stars). 3 submissions from 3 submitters: Uncertain significance (3). Last evaluated 2025-05-06.

Conditions:
Inborn genetic diseases. Identifiers: MedGen C0950123, MeSH D030342.
Desbuquois dysplasia 1 (DBQD1). Also called: MICROMELIC DWARFISM WITH VERTEBRAL AND METAPHYSEAL ABNORMALITIES AND ADVANCED CARPOTARSAL OSSIFICATION; DESBUQUOIS DYSPLASIA 1, KIM VARIANT. Identifiers: Orphanet 1425, MedGen C4012146, MONDO:0009629, OMIM 251450.

Allele frequency attached by ClinVar (database versions not stated): gnomAD exomes 0.00001 and 0.00003; ExAC 0.00003; 1000 Genomes Project 0.00020; gnomAD 0.00004; 1000 Genomes Project 30x 0.00031; TOPMed 0.00006.
gnomAD v4.1: 23 of 1,614,160 alleles (0.0014%); highest among the groups gnomAD compares: East Asian, 0.011%; no homozygotes.

Submissions (3):

Ambry Genetics
Classification: Uncertain significance for Inborn genetic diseases. Last evaluated: 2025-05-06. Review status: criteria provided, single submitter. Criteria: Ambry Variant Classification Scheme 2023. Collection method: clinical testing. Allele origin: germline.

Labcorp Genetics (formerly Invitae), Labcorp
Classification: Uncertain significance for Desbuquois dysplasia 1. Last evaluated: 2022-02-10. Review status: criteria provided, single submitter. Criteria: Invitae Variant Classification Sherloc (09022015). Collection method: clinical testing. Allele origin: germline.
Comment: This sequence change replaces glutamic acid, which is acidic and polar, with lysine, which is basic and polar, at codon 664 of the XYLT1 protein (p.Glu664Lys). This variant is present in population databases (rs573652692, gnomAD 0.03%). This variant has not been reported in the literature in individuals affected with XYLT1-related conditions. ClinVar contains an entry for this variant (Variation ID: 662990). Algorithms developed to predict the effect of missense changes on protein structure and function are either unavailable or do not agree on the potential impact of this missense change (SIFT: "Deleterious"; PolyPhen-2: "Benign"; Align-GVGD: "Class C0"). In summary, the available evidence is currently insufficient to determine the role of this variant in disease. Therefore, it has been classified as a Variant of Uncertain Significance.

Breakthrough Genomics
Classification: Uncertain significance. Review status: criteria provided, single submitter. Criteria: ACMG Guidelines, 2015. Collection method: not provided. Allele origin: germline. Inheritance: Autosomal recessive inheritance. Affected: yes.

NM_022166.4(XYLT1):c.1990G>A (p.Glu664Lys)

Genes: XYLT1 (xylosyltransferase 1; minus strand), LOC102723692 (uncharacterized LOC102723692; plus strand). Cytogenetic location: 16p12.3.
Variant type: single nucleotide variant.
Coding change: c.1990G>A on transcript NM_022166.4 (MANE Select); coding-DNA position 1990, G replaced by A.
Protein change: p.Glu664Lys; replaces glutamic acid 664 with lysine.
Molecular consequence: missense variant. On other transcripts: non-coding transcript variant (1).
Genome position (GRCh38, 1-based): chr16:17,134,510, C>T on the plus strand (G>A on the coding strand, the complement: XYLT1 is on the minus strand). VCF-style: chr16-17134510-C-T. GRCh37 (hg19) VCF-style: chr16-17228367-C-T.
Other names: c.1990G>A (NM_022166.3); short protein forms E664K.
Identifiers: ClinVar variation 662990 (VCV000662990.10), dbSNP rs573652692, ClinGen allele CA7927712.